The following is an entry in ClinVar:

Allele frequency attached by ClinVar (database versions not stated): TOPMed 0.00001.
gnomAD v4.1: 2 of 1,613,522 alleles (0.00012%); highest among the groups gnomAD compares: South Asian, 0.0011%; no homozygotes.

Submission:

Seelig Lab, University of Washington
No classification provided (evidence only). Review status: no classification provided. Collection method: in vitro. Allele origin: not applicable. Functional consequence: effect on translation.
ClinVar note: "not provided" was previously submitted as the classification for the variant. However, the classification appeared to be based only on an observation of functional data so it was converted to no classification on 2025-07-30.

NM_000969.5(RPL5):c.-46C>A

Gene: RPL5 (ribosomal protein L5; plus strand). Cytogenetic location: 1p22.1.
Variant type: single nucleotide variant.
Coding change: c.-46C>A on transcript NM_000969.5 (MANE Select); 46 bases upstream of the start codon, C replaced by A.
Molecular consequence: 5 prime UTR variant. On other transcripts: non-coding transcript variant (1).
Genome position (GRCh38, 1-based): chr1:92,832,069, C>A. VCF-style: chr1-92832069-C-A. GRCh37 (hg19) VCF-style: chr1-93297626-C-A.
Other names: c.-46C>A (LRG_1155t1).
Identifiers: ClinVar variation 625274 (VCV000625274.2), dbSNP rs376208311, ClinGen allele CA952263.